The following is an entry in ClinVar:

NM_022114.4(PRDM16):c.3124G>A (p.Gly1042Arg)

Gene: PRDM16 (PR/SET domain 16; plus strand). Cytogenetic location: 1p36.32.
Variant type: single nucleotide variant.
Coding change: c.3124G>A on transcript NM_022114.4 (MANE Select); coding-DNA position 3124, G replaced by A.
Protein change: p.Gly1042Arg; replaces glycine 1042 with arginine.
Molecular consequence: missense variant.
Genome position (GRCh38, 1-based): chr1:3,426,065, G>A. VCF-style: chr1-3426065-G-A. GRCh37 (hg19) VCF-style: chr1-3342629-G-A.
Other names: c.3124G>A, p.Gly1042Arg (NM_199454.3); short protein forms G1042R.
Identifiers: ClinVar variation 426514 (VCV000426514.14), dbSNP rs768620911, ClinGen allele CA544745.

ClinVar aggregate classification (germline): Conflicting classifications of pathogenicity. Review status: criteria provided, conflicting classifications (1 of 4 stars). 4 submissions from 4 submitters: Uncertain significance (3); Likely benign (1). Last evaluated 2025-11-07.

Conditions:
Left ventricular noncompaction 8 (LVNC8). Identifiers: Orphanet 154, Orphanet 54260, MedGen C3809288, MONDO:0014152, OMIM 615373.

Allele frequency attached by ClinVar (database versions not stated): gnomAD 0.00003 and 0.00004; gnomAD exomes 0.00008; TOPMed 0.00008; ExAC 0.00009.
gnomAD v4.1: 80 of 1,613,356 alleles (0.005%); highest among the groups gnomAD compares: Middle Eastern, 0.017%; no homozygotes.

Submissions (4):

Dasa
Classification: Uncertain significance. Last evaluated: 2025-11-07. Review status: criteria provided, single submitter. Criteria: DASA Assertion Criteria. Collection method: clinical testing. Allele origin: germline.
Comment: NM_022114.4(PRDM16):c.3124G>A (p.Gly1042Arg) is a missense variant that results in the substitution of glycine with arginine. This variant is rare in population databases. The currently available literature and clinical evidence are not sufficient to establish a definitive association between this variant and the reported condition. Therefore, this variant is classified as a variant of uncertain significance.

Labcorp Genetics (formerly Invitae), Labcorp
Classification: Uncertain significance for Left ventricular noncompaction 8. Last evaluated: 2025-07-29. Review status: criteria provided, single submitter. Criteria: Invitae Variant Classification Sherloc (09022015). Collection method: clinical testing. Allele origin: germline.
Comment: This sequence change replaces glycine, which is neutral and non-polar, with arginine, which is basic and polar, at codon 1042 of the PRDM16 protein (p.Gly1042Arg). This variant is present in population databases (rs768620911, gnomAD 0.04%). This variant has not been reported in the literature in individuals affected with PRDM16-related conditions. ClinVar contains an entry for this variant (Variation ID: 426514). An algorithm developed to predict the effect of missense changes on protein structure and function (PolyPhen-2) suggests that this variant is likely to be disruptive. In summary, the available evidence is currently insufficient to determine the role of this variant in disease. Therefore, it has been classified as a Variant of Uncertain Significance.

Blueprint Genetics
Classification: Likely benign. Last evaluated: 2024-09-10. Review status: criteria provided, single submitter. Criteria: ACMG Guidelines, 2015. Collection method: clinical testing. Allele origin: germline.

GeneDx
Classification: Uncertain significance. Last evaluated: 2022-05-27. Review status: criteria provided, single submitter. Criteria: GeneDx Variant Classification Process June 2021. Collection method: clinical testing. Allele origin: germline. Affected: yes.
Comment: In silico analysis supports that this missense variant has a deleterious effect on protein structure/function; This variant is associated with the following publications: (PMID: 29016939)